The following is an entry in ClinVar:

NM_001424.6(EMP2):c.402C>T (p.Thr134=)

Gene: EMP2 (epithelial membrane protein 2; minus strand). Cytogenetic location: 16p13.13.
Variant type: single nucleotide variant.
Coding change: c.402C>T on transcript NM_001424.6 (MANE Select); coding-DNA position 402, C replaced by T.
Protein change: p.Thr134=; no amino-acid change (threonine 134 retained).
Molecular consequence: synonymous variant.
Genome position (GRCh38, 1-based): chr16:10,533,007, G>A on the plus strand (C>T on the coding strand, the complement: EMP2 is on the minus strand). VCF-style: chr16-10533007-G-A. GRCh37 (hg19) VCF-style: chr16-10626864-G-A.
Other names: p.Thr134=.
Identifiers: ClinVar variation 1201554 (VCV001201554.10), dbSNP rs78031978, ClinGen allele CA7897742.
Genomic context (GRCh38, chr16:10,533,007, plus strand): 5'-GAAGGTGCAGGCGAAGGCCACCCACGCCAGGATGTAGGAGTAGCCGTAGCTGCCTTCTCT[G>A]GTCACGGGATAGAATTTCGCGTTTTTGTCGTGAATGTCTTCACGCCTGTCTGTATAAATG-3'
Protein context (NP_001415.1, residues 124-144): HDKNAKFYPV[Thr134=]REGSYGYSYI

ClinVar aggregate classification (germline): Benign/Likely benign. Review status: criteria provided, multiple submitters, no conflicts (2 of 4 stars). 4 submissions from 4 submitters: Benign (2); Likely benign (2). Last evaluated 2026-01-06.

Allele frequency attached by ClinVar (database versions not stated): gnomAD exomes 0.00063 and 0.00175; ExAC 0.00237; gnomAD 0.00668 and 0.00706; TOPMed 0.00780; 1000 Genomes Project 0.00839; ESP Exome Variant Server 0.00854; 1000 Genomes Project 30x 0.01031.
gnomAD v4.1: 1,960 of 1,612,004 alleles (0.12%); highest among the groups gnomAD compares: African/African-American, 2.3%; 24 homozygotes.

Submissions (4):

Labcorp Genetics (formerly Invitae), Labcorp
Classification: Benign. Last evaluated: 2026-01-06. Review status: criteria provided, single submitter. Criteria: Invitae Variant Classification Sherloc (09022015). Collection method: clinical testing. Allele origin: germline.

Mayo Clinic Laboratories, Mayo Clinic
Classification: Benign. Last evaluated: 2024-01-17. Review status: criteria provided, single submitter. Criteria: ACMG Guidelines, 2015. Collection method: clinical testing. Allele origin: germline. Observed: 4 variant alleles.
Comment: BS1, BS2, BP4, BP7

GeneDx
Classification: Likely benign. Last evaluated: 2020-09-16. Review status: criteria provided, single submitter. Criteria: GeneDx Variant Classification Process June 2021. Collection method: clinical testing. Allele origin: germline. Affected: yes.

Breakthrough Genomics
Classification: Likely benign. Review status: criteria provided, single submitter. Criteria: ACMG Guidelines, 2015. Collection method: not provided. Allele origin: germline. Inheritance: Autosomal recessive inheritance. Affected: yes.